The following is an entry in ClinVar:

ClinVar aggregate classification (germline): Conflicting classifications of pathogenicity. Review status: criteria provided, conflicting classifications (1 of 4 stars). 5 submissions from 5 submitters: Uncertain significance (1); Likely benign (3). 1 of the submissions does not count toward it. Last evaluated 2025-07-31.

Conditions:
CFAP43-related disorder. Also called: CFAP43-related condition.

Allele frequency attached by ClinVar (database versions not stated): 1000 Genomes Project 0.00100; 1000 Genomes Project 30x 0.00109; gnomAD 0.00145 and 0.00160; ESP Exome Variant Server 0.00146; TOPMed 0.00158.
gnomAD v4.1: 414 of 1,611,044 alleles (0.026%); highest among the groups gnomAD compares: African/African-American, 0.49%; no homozygotes.

Submissions (5):

Ambry Genetics
Classification: Uncertain significance. Last evaluated: 2025-07-31. Review status: criteria provided, single submitter. Criteria: Ambry Variant Classification Scheme 2023. Collection method: clinical testing. Allele origin: germline.

Blueprint Genetics
Classification: Likely benign. Last evaluated: 2024-08-20. Review status: criteria provided, single submitter. Criteria: ACMG Guidelines, 2015. Collection method: clinical testing. Allele origin: germline.

Labcorp Genetics (formerly Invitae), Labcorp
Classification: Likely benign. Last evaluated: 2018-12-13. Review status: criteria provided, single submitter. Criteria: Invitae Variant Classification Sherloc (09022015). Collection method: clinical testing. Allele origin: germline.

Breakthrough Genomics
Classification: Likely benign. Review status: criteria provided, single submitter. Criteria: ACMG Guidelines, 2015. Collection method: not provided. Allele origin: germline. Inheritance: Autosomal recessive inheritance. Affected: yes.

PreventionGenetics, part of Exact Sciences
Classification: Likely benign for CFAP43-related condition. Last evaluated: 2021-07-05. Review status: no assertion criteria provided. Collection method: clinical testing. Allele origin: germline. Not counted in ClinVar's aggregate classification.
Comment: This variant is classified as likely benign based on ACMG/AMP sequence variant interpretation guidelines (Richards et al. 2015 PMID: 25741868, with internal and published modifications).

NM_025145.7(CFAP43):c.1063A>G (p.Asn355Asp)

Gene: CFAP43 (cilia and flagella associated protein 43; minus strand). Cytogenetic location: 10q25.1.
Variant type: single nucleotide variant.
Coding change: c.1063A>G on transcript NM_025145.7 (MANE Select); coding-DNA position 1063, A replaced by G.
Protein change: p.Asn355Asp; replaces asparagine 355 with aspartic acid.
Molecular consequence: missense variant.
Genome position (GRCh38, 1-based): chr10:104,203,704, T>C on the plus strand (A>G on the coding strand, the complement: CFAP43 is on the minus strand). VCF-style: chr10-104203704-T-C. GRCh37 (hg19) VCF-style: chr10-105963462-T-C.
Other names: c.1063A>G (NM_025145.6); short protein forms N355D.
Identifiers: ClinVar variation 725605 (VCV000725605.8), dbSNP rs144236614, ClinGen allele CA5681042.
Genomic context (GRCh38, chr10:104,203,704, plus strand): 5'-CATATCAAGAAATTACCATCCAACATACCTTGTCTGTTTGAATCAGCAACACTGTATAAT[T>C]GGGAGAAAATGTCATATGTTCTACAGGTCTTTCAATCTCAAGAAAATCCTCGATCATGTA-3'
Protein context (NP_079421.5, residues 345-365): RPVEHMTFSP[Asn355Asp]YTVLLIQTDK